The following is an entry in ClinVar:

NM_000257.4(MYH7):c.5037C>A (p.Asn1679Lys)

Genes: MHRT (myosin heavy chain associated RNA transcript; plus strand), MYH7 (myosin heavy chain 7; minus strand), LOC126861897 (BRD4-independent group 4 enhancer GRCh37_chr14:23884455-23885654; plus strand). Cytogenetic location: 14q11.2.
Variant type: single nucleotide variant.
Coding change: c.5037C>A on transcript NM_000257.4 (MANE Select); coding-DNA position 5037, C replaced by A.
Protein change: p.Asn1679Lys; replaces asparagine 1679 with lysine.
Molecular consequence: missense variant. On other transcripts: non-coding transcript variant (1).
Genome position (GRCh38, 1-based): chr14:23,415,749, G>T on the plus strand (C>A on the coding strand, the complement: MYH7 is on the minus strand). VCF-style: chr14-23415749-G-T. GRCh37 (hg19) VCF-style: chr14-23884958-G-T.
Other names: short protein forms N1679K.
Identifiers: ClinVar variation 857012 (VCV000857012.10), dbSNP rs1358888752, ClinGen allele CA389037091.

ClinVar aggregate classification (germline): Uncertain significance (1 of 4 stars; one submission).

Conditions:
Hypertrophic cardiomyopathy. Also called: HYPERTROPHIC MYOCARDIOPATHY. Identifiers: Orphanet 217569, MedGen C0007194, MeSH D002312, MONDO:0005045, HP:0001639.

gnomAD v4.1: 1 of 1,614,200 alleles (0.000062%); highest among the groups gnomAD compares: East Asian, 0.0022%; no homozygotes.

Submission:

Labcorp Genetics (formerly Invitae), Labcorp
Classification: Uncertain significance for Hypertrophic cardiomyopathy. Last evaluated: 2019-12-11. Review status: criteria provided, single submitter. Criteria: Invitae Variant Classification Sherloc (09022015). Collection method: clinical testing. Allele origin: germline.
Comment: This sequence change replaces asparagine with lysine at codon 1679 of the MYH7 protein (p.Asn1679Lys). The asparagine residue is highly conserved and there is a moderate physicochemical difference between asparagine and lysine. This variant is not present in population databases (ExAC no frequency). This variant has not been reported in the literature in individuals with MYH7-related conditions. Algorithms developed to predict the effect of missense changes on protein structure and function are either unavailable or do not agree on the potential impact of this missense change (SIFT: "Deleterious"; PolyPhen-2: "Benign"; Align-GVGD: "Class C0"). In summary, the available evidence is currently insufficient to determine the role of this variant in disease. Therefore, it has been classified as a Variant of Uncertain Significance.